The following is an entry in ClinVar:

NM_002742.3(PRKD1):c.646C>G (p.Arg216Gly)

Gene: PRKD1 (protein kinase D1; minus strand). Cytogenetic location: 14q12.
Variant type: single nucleotide variant.
Coding change: c.646C>G on transcript NM_002742.3 (MANE Select); coding-DNA position 646, C replaced by G.
Protein change: p.Arg216Gly; replaces arginine 216 with glycine.
Molecular consequence: missense variant.
Genome position (GRCh38, 1-based): chr14:29,663,749, G>C on the plus strand (C>G on the coding strand, the complement: PRKD1 is on the minus strand). VCF-style: chr14-29663749-G-C. GRCh37 (hg19) VCF-style: chr14-30132955-G-C.
Other names: c.646C>G, p.Arg216Gly (NM_001330069.2); c.358C>G, p.Arg120Gly (NM_001348390.1); short protein forms R120G, R216G.
Identifiers: ClinVar variation 728781 (VCV000728781.5), dbSNP rs145651161, ClinGen allele CA7141426.
Genomic context (GRCh38, chr14:29,663,749, plus strand): 5'-GAAGCCATACCAGAAGGGGCTCATCAGGGGCACTTGTAGAGAGTTCAGCAGATGATGTGC[G>C]GATGGTGCTGACCCCAGTGAGGGAAACGTTTGAGAGCCTTCTCCGCCTCACACCGCTGCA-3'
Protein context (NP_002733.2, residues 206-226): NVSLTGVSTI[Arg216Gly]TSSAELSTSA

ClinVar aggregate classification (germline): Conflicting classifications of pathogenicity. Review status: criteria provided, conflicting classifications (1 of 4 stars). 2 submissions from 2 submitters: Uncertain significance (1); Likely benign (1). Last evaluated 2019-12-31.

Conditions:
Premature ovarian insufficiency (POF). Also called: Premature ovarian failure. Identifiers: MedGen C4303540, HP:0008209.

Allele frequency attached by ClinVar (database versions not stated): ESP Exome Variant Server 0.00008; TOPMed 0.00002; 1000 Genomes Project 0.00040; 1000 Genomes Project 30x 0.00047.
gnomAD v4.1: 200 of 1,614,012 alleles (0.012%); highest among the groups gnomAD compares: South Asian, 0.19%; 5 homozygotes.

Submissions (2):

Labcorp Genetics (formerly Invitae), Labcorp
Classification: Likely benign. Last evaluated: 2019-12-31. Review status: criteria provided, single submitter. Criteria: Invitae Variant Classification Sherloc (09022015). Collection method: clinical testing. Allele origin: germline.

Lupski Lab, Baylor-Hopkins CMG, Baylor College of Medicine
Classification: Uncertain significance for Primary Ovarian Insufficiency. Last evaluated: 2019-04-22. Review status: criteria provided, single submitter. Criteria: Jolly et al. (J Clin Endocrinol Metab. 2019). Collection method: research. Allele origin: inherited, unknown. Inheritance: Autosomal recessive inheritance. Affected: yes and no. Observed: 2 variant alleles, 1 heterozygote, 1 homozygote.